The following is an entry in ClinVar:

ClinVar aggregate classification (germline): Uncertain significance (1 of 4 stars; one submission).

Allele frequency attached by ClinVar (database versions not stated): gnomAD exomes below 0.00001; ExAC 0.00002.
gnomAD v4.1: 7 of 1,614,160 alleles (0.00043%); highest among the groups gnomAD compares: Admixed American, 0.005%; no homozygotes.

Submission:

Labcorp Genetics (formerly Invitae), Labcorp
Classification: Uncertain significance. Last evaluated: 2025-11-25. Review status: criteria provided, single submitter. Criteria: Invitae Variant Classification Sherloc (09022015). Collection method: clinical testing. Allele origin: germline.
Comment: This sequence change replaces valine, which is neutral and non-polar, with isoleucine, which is neutral and non-polar, at codon 2548 of the ANK3 protein (p.Val2548Ile). This variant is present in population databases (rs759201055, gnomAD 0.009%). This variant has not been reported in the literature in individuals affected with ANK3-related conditions. ClinVar contains an entry for this variant (Variation ID: 1923109). Invitae Evidence Modeling of protein sequence and biophysical properties (such as structural, functional, and spatial information, amino acid conservation, physicochemical variation, residue mobility, and thermodynamic stability) indicates that this missense variant is not expected to disrupt ANK3 protein function with a negative predictive value of 80%. In summary, the available evidence is currently insufficient to determine the role of this variant in disease. Therefore, it has been classified as a Variant of Uncertain Significance.

NM_020987.5(ANK3):c.7642G>A (p.Val2548Ile)

Gene: ANK3 (ankyrin 3; minus strand). Cytogenetic location: 10q21.2.
Variant type: single nucleotide variant.
Coding change: c.7642G>A on transcript NM_020987.5 (MANE Select); coding-DNA position 7642, G replaced by A.
Protein change: p.Val2548Ile; replaces valine 2548 with isoleucine.
Molecular consequence: missense variant. On other transcripts: intron variant (4).
Genome position (GRCh38, 1-based): chr10:60,073,239, C>T on the plus strand (G>A on the coding strand, the complement: ANK3 is on the minus strand). VCF-style: chr10-60073239-C-T. GRCh37 (hg19) VCF-style: chr10-61832997-C-T.
Other names: c.4388-5230G>A (NM_001204403.2); c.4409-5230G>A (NM_001204404.2); c.4406-5230G>A (NM_001320874.2); c.1808-5230G>A (NM_001149.4); short protein forms V2548I.
Identifiers: ClinVar variation 1923109 (VCV001923109.4), dbSNP rs759201055, ClinGen allele CA5511680.